The following is an entry in ClinVar:

NM_001723.7(DST):c.6862A>G (p.Asn2288Asp)

Gene: DST (dystonin; minus strand). Cytogenetic location: 6p12.1.
Variant type: single nucleotide variant.
Coding change: c.6862A>G on transcript NM_001723.7 (MANE Plus Clinical); coding-DNA position 6862, A replaced by G.
Protein change: p.Asn2288Asp; replaces asparagine 2288 with aspartic acid.
Molecular consequence: missense variant. On other transcripts: intron variant (10).
Genome position (GRCh38, 1-based): chr6:56,616,605, T>C on the plus strand (A>G on the coding strand, the complement: DST is on the minus strand). VCF-style: chr6-56616605-T-C. GRCh37 (hg19) VCF-style: chr6-56481403-T-C.
Other names: c.4831-2121A>G (NM_001144769.5); c.4930-2121A>G (NM_001374722.1, NM_001374736.1); c.4957-2121A>G (NM_001374734.1); c.4417-2121A>G (NM_001144770.2); c.4297-2121A>G (NM_001374730.1, NM_001386100.1, NM_183380.4 and 1 more transcripts); c.3319-2121A>G (NM_015548.5); short protein forms N2288D.
Identifiers: ClinVar variation 1525322 (VCV001525322.6), dbSNP rs370525189, ClinGen allele CA3870081.

ClinVar aggregate classification (germline): Uncertain significance (1 of 4 stars; one submission).

Conditions:
Hereditary sensory and autonomic neuropathy type 6. Also called: HSAN VI; Neuropathy, hereditary sensory and autonomic, type VI. Identifiers: Orphanet 314381, MedGen C3539003, MONDO:0013839, OMIM 614653.
Epidermolysis bullosa simplex 3, localized or generalized intermediate, with BP230 deficiency (EBS3). Also called: Epidermolysis bullosa simplex due to BP230 deficiency; Epidermolysis bullosa simplex, autosomal recessive 2. Identifiers: Orphanet 412181, MedGen C3809470, MONDO:0014180, OMIM 615425.

Allele frequency attached by ClinVar (database versions not stated): ExAC 0.00001.
gnomAD v4.1: 5 of 1,614,194 alleles (0.00031%); highest among the groups gnomAD compares: Non-Finnish European, 0.00042%; no homozygotes.

Submission:

Labcorp Genetics (formerly Invitae), Labcorp
Classification: Uncertain significance for Epidermolysis bullosa simplex 3, localized or generalized intermediate, with BP230 deficiency; Hereditary sensory and autonomic neuropathy type 6. Last evaluated: 2022-09-01. Review status: criteria provided, single submitter. Criteria: Invitae Variant Classification Sherloc (09022015). Collection method: clinical testing. Allele origin: germline.
Comment: This sequence change replaces asparagine, which is neutral and polar, with aspartic acid, which is acidic and polar, at codon 2288 of the DST protein (p.Asn2288Asp). This variant is present in population databases (rs370525189, gnomAD 0.002%). This variant has not been reported in the literature in individuals affected with DST-related conditions. ClinVar contains an entry for this variant (Variation ID: 1525322). Algorithms developed to predict the effect of missense changes on protein structure and function are either unavailable or do not agree on the potential impact of this missense change (SIFT: "Tolerated"; PolyPhen-2: "Possibly Damaging"; Align-GVGD: "Class C0"). In summary, the available evidence is currently insufficient to determine the role of this variant in disease. Therefore, it has been classified as a Variant of Uncertain Significance.